The following is an entry in ClinVar:

ClinVar aggregate classification (germline): Uncertain significance (1 of 4 stars; one submission).

Conditions:
Hereditary cancer-predisposing syndrome. Also called: Neoplastic Syndromes, Hereditary; Tumor predisposition; Hereditary Cancer Syndrome; Hereditary neoplastic syndrome. Identifiers: Orphanet 140162, MedGen C0027672, MeSH D009386, MONDO:0015356.

Submission:

Ambry Genetics
Classification: Uncertain significance for Hereditary cancer-predisposing syndrome. Last evaluated: 2024-06-30. Review status: criteria provided, single submitter. Criteria: Ambry Variant Classification Scheme 2023. Collection method: clinical testing. Allele origin: germline.
Comment: The p.T691P variant (also known as c.2071A>C), located in coding exon 14 of the PTCH1 gene, results from an A to C substitution at nucleotide position 2071. The threonine at codon 691 is replaced by proline, an amino acid with highly similar properties. This amino acid position is conserved. In addition, the in silico prediction for this alteration is inconclusive. Based on the available evidence, the clinical significance of this variant remains unclear.

NM_000264.5(PTCH1):c.2071A>C (p.Thr691Pro)

Genes: PTCH1 (patched 1; minus strand), LOC100507346 (uncharacterized LOC100507346; plus strand). Cytogenetic location: 9q22.32.
Variant type: single nucleotide variant.
Coding change: c.2071A>C on transcript NM_000264.5 (MANE Select); coding-DNA position 2071, A replaced by C.
Protein change: p.Thr691Pro; replaces threonine 691 with proline.
Molecular consequence: missense variant. On other transcripts: non-coding transcript variant (2).
Genome position (GRCh38, 1-based): chr9:95,468,930, T>G on the plus strand (A>C on the coding strand, the complement: PTCH1 is on the minus strand). VCF-style: chr9-95468930-T-G. GRCh37 (hg19) VCF-style: chr9-98231212-T-G.
Other names: c.1873A>C, p.Thr625Pro (NM_001083602.3); c.2068A>C, p.Thr690Pro (NM_001083603.3); c.1618A>C, p.Thr540Pro (NM_001083604.3, NM_001083605.3, NM_001083606.3 and 1 more transcripts); c.1915A>C, p.Thr639Pro (NM_001354918.2); short protein forms T540P, T625P, T690P, T639P, T691P.
Identifiers: ClinVar variation 3427233 (VCV003427233.1).